The following is an entry in ClinVar:

ClinVar aggregate classification (germline): Uncertain significance (1 of 4 stars; one submission).

Conditions:
Hyper-IgM syndrome type 5 (HIGM5). Also called: Hyper-IgM Immunodeficiency Syndrome, Type 5. Identifiers: Orphanet 101092, MedGen C1720958, MONDO:0011971, OMIM 608106.

Submission:

Labcorp Genetics (formerly Invitae), Labcorp
Classification: Uncertain significance for Hyper-IgM syndrome type 5. Last evaluated: 2024-10-22. Review status: criteria provided, single submitter. Criteria: Invitae Variant Classification Sherloc (09022015). Collection method: clinical testing. Allele origin: germline.
Comment: This sequence change replaces glutamic acid, which is acidic and polar, with lysine, which is basic and polar, at codon 312 of the UNG protein (p.Glu312Lys). This variant is not present in population databases (gnomAD no frequency). This variant has not been reported in the literature in individuals affected with UNG-related conditions. ClinVar contains an entry for this variant (Variation ID: 1469055). An algorithm developed to predict the effect of missense changes on protein structure and function (PolyPhen-2) suggests that this variant is likely to be tolerated. In summary, the available evidence is currently insufficient to determine the role of this variant in disease. Therefore, it has been classified as a Variant of Uncertain Significance.

NM_080911.3(UNG):c.934G>A (p.Glu312Lys)

Gene: UNG (uracil DNA glycosylase; plus strand). Cytogenetic location: 12q24.11.
Variant type: single nucleotide variant.
Coding change: c.934G>A on transcript NM_080911.3 (MANE Select); coding-DNA position 934, G replaced by A.
Protein change: p.Glu312Lys; replaces glutamic acid 312 with lysine.
Molecular consequence: missense variant.
Genome position (GRCh38, 1-based): chr12:109,109,961, G>A. VCF-style: chr12-109109961-G-A. GRCh37 (hg19) VCF-style: chr12-109547766-G-A.
Other names: c.907G>A, p.Glu303Lys (NM_003362.4); short protein forms E303K, E312K.
Identifiers: ClinVar variation 1469055 (VCV001469055.8), dbSNP rs2135896214, ClinGen allele CA386476459.